The following is an entry in ClinVar:

NM_000444.6(PHEX):c.871C>T (p.Arg291Ter)

Gene: PHEX (phosphate regulating endopeptidase X-linked; plus strand). Cytogenetic location: Xp22.11.
Variant type: single nucleotide variant.
Coding change: c.871C>T on transcript NM_000444.6 (MANE Select); coding-DNA position 871, C replaced by T.
Protein change: p.Arg291Ter; replaces arginine 291 with a stop codon.
Molecular consequence: nonsense.
Genome position (GRCh38, 1-based): chrX:22,096,976, C>T. VCF-style: chrX-22096976-C-T. GRCh37 (hg19) VCF-style: chrX-22115094-C-T.
Other names: c.871C>T, p.Arg291Ter (NM_001282754.2); short protein forms R291*.
Identifiers: ClinVar variation 372454 (VCV000372454.26), dbSNP rs866429868, ClinGen allele CA16043251.

ClinVar aggregate classification (germline): Pathogenic. Review status: criteria provided, multiple submitters, no conflicts (2 of 4 stars). 13 submissions from 13 submitters: Pathogenic (11). 2 of the submissions do not count toward it. Last evaluated 2026-03-10.

Conditions:
PHEX-related disorder. Also called: PHEX-related condition.
Hypophosphatemic rickets. Identifiers: MedGen C1704375, MeSH D063730, MONDO:0024300, HP:0004912.
Familial X-linked hypophosphatemic vitamin D refractory rickets (XLHRD). Also called: X-Linked Hypophosphatemia; Hypophosphatemia, vitamin D-resistant rickets; Vitamin D-resistant rickets, X-linked; Hypophosphatemic Rickets, X-Linked Dominant; HYPOPHOSPHATEMIC VITAMIN D-RESISTANT RICKETS. Identifiers: Orphanet 89936, MedGen C0733682, MONDO:0010619, OMIM 307800.
Childhood hypophosphatasia. Identifiers: Orphanet 247667, Orphanet 436, MedGen C0220743, MONDO:1010168, OMIM 241510, MONDO:0009428.

Submissions (13):

Clinical Biomedical Laboratory, Shriners Hospital For Children - Canada
Classification: Pathogenic for Familial X-linked hypophosphatemic vitamin D refractory rickets. Last evaluated: 2026-03-10. Review status: criteria provided, single submitter. Criteria: ACMG Guidelines, 2015. Collection method: clinical testing. Allele origin: germline. Affected: yes.
Comment: This variant is predicted to introduce a premature termination codon. Premature termination codons in PHEX are a typical cause of X-linked hypophosphatemic rickets. In the Genome Aggregation Database (gnomAD v2.1.1) this variant is not present. This variant has been reported in the literature as a cause of hypophosphatemic rickets (PMID 9768674). In the Shriners variant database we have observed this variant three times in individuals diagnosed with hypophosphatemic rickets. Based on the ACMG variant interpretation guidelines, the available evidence supports classification of this variant as pathogenic.

Women's Health and Genetics/Laboratory Corporation of America, LabCorp
Classification: Pathogenic for Familial X-linked hypophosphatemic vitamin D refractory rickets. Last evaluated: 2025-05-28. Review status: criteria provided, single submitter. Criteria: LabCorp Variant Classification Summary - May 2015. Collection method: clinical testing. Allele origin: germline.
Comment: Variant summary: PHEX c.871C>T (p.Arg291X) results in a premature termination codon, predicted to cause a truncation of the encoded protein or absence of the protein due to nonsense mediated decay, which are commonly known mechanisms for disease. The frequency data for this variant in gnomAD is considered unreliable, as metrics indicate poor data quality at this position. c.871C>T has been observed in the heterozygous state in at individual(s) affected with X-Linked Hypophosphatemic Rickets (example, Marik_2022). These report(s) do not provide unequivocal conclusions about association of the variant with X-Linked Hypophosphatemic Rickets. To our knowledge, no experimental evidence demonstrating an impact on protein function has been reported. The following publication has been ascertained in the context of this evaluation (PMID: 35738466). ClinVar contains an entry for this variant (Variation ID: 372454). Based on the evidence outlined above, the variant was classified as pathogenic.

Labcorp Genetics (formerly Invitae), Labcorp
Classification: Pathogenic. Last evaluated: 2024-12-12. Review status: criteria provided, single submitter. Criteria: Invitae Variant Classification Sherloc (09022015). Collection method: clinical testing. Allele origin: germline.
Comment: This sequence change creates a premature translational stop signal (p.Arg291*) in the PHEX gene. It is expected to result in an absent or disrupted protein product. Loss-of-function variants in PHEX are known to be pathogenic (PMID: 9097956, 9106524, 19219621). This variant is not present in population databases (gnomAD no frequency). This premature translational stop signal has been observed in individual(s) with hypophosphatemic rickets (PMID: 9106524, 11004247, 23466123, 26040324, 29460029, 30298486). It has also been observed to segregate with disease in related individuals. ClinVar contains an entry for this variant (Variation ID: 372454). For these reasons, this variant has been classified as Pathogenic.

Genomic Medicine Center of Excellence, King Faisal Specialist Hospital and Research Centre
Classification: Pathogenic for Familial X-linked hypophosphatemic vitamin D refractory rickets. Last evaluated: 2024-10-07. Review status: criteria provided, single submitter. Criteria: ACMG Guidelines, 2015. Collection method: clinical testing. Allele origin: germline.

Molecular Genetics, Royal Melbourne Hospital
Classification: Pathogenic for Familial X-linked hypophosphatemic vitamin D refractory rickets. Last evaluated: 2024-09-08. Review status: criteria provided, single submitter. Criteria: ACMG Guidelines, 2015. Collection method: clinical testing. Allele origin: germline. Inheritance: X-linked inheritance. Affected: yes.
Comment: This sequence change in PHEX is a nonsense variant predicted to create a premature stop codon, p.(Arg291*), in biologically relevant exon 8/22 leading to nonsense-mediated decay in a gene in which loss-of-function is an established disease mechanism (PMID: 22319799). Loss-of-function variants are a well-established cause of disease in exon 8 (ClinVar). This variant is absent from the population database gnomAD v4.1. This variant has been reported in multiple individuals with hypophosphataemia and segregates with hypophosphataemia in two unrelated families (PMID: 34633109, 11004247, 11502829). This variant has also been identified as a de novo occurrence with confirmed parental relationships in an individual and as a de novo occurrence with unconfirmed parental relationships in another individual with hypophosphataemic rickets (PMID: 36482408, 32329911). Based on the classification scheme RMH Modified ACMG/AMP Guidelines v1.7.0, this variant is classified as PATHOGENIC. Following criteria are met: PVS1, PS4, PM2_Supporting, PM5_Supporting, PS2_Moderate/PM6

Blueprint Genetics
Classification: Pathogenic for PHEX-related disorders. Last evaluated: 2022-11-15. Review status: criteria provided, single submitter. Criteria: ACMG Guidelines, 2015. Collection method: clinical testing. Allele origin: germline. Affected: yes. Observed: 2 variant alleles.

GeneDx
Classification: Pathogenic. Last evaluated: 2022-03-18. Review status: criteria provided, single submitter. Criteria: GeneDx Variant Classification Process June 2021. Collection method: clinical testing. Allele origin: germline. Affected: yes.
Comment: Nonsense variant predicted to result in protein truncation or nonsense mediated decay in a gene for which loss-of-function is a known mechanism of disease; Not observed in large population cohorts (gnomAD); This variant is associated with the following publications: (PMID: 25525159, 9106524, 26040324, 23466123, 11004247, 27840894, 11502829, 29460029, 19219621, 9199930, 30607568, 30682568, 30298486, 29707405, 34434907, 33639975, 32329911, 34006472, 34141703, 33537138)

Laboratory of Cyto-molecular Genetics, Department of Anatomy, All India Institute of Medical Sciences (AIIMS), New Delhi
Classification: Pathogenic for Hypophosphatemic rickets. Last evaluated: 2022-03-07. Review status: criteria provided, single submitter. Criteria: ACMG Guidelines, 2015. Collection method: clinical testing. Allele origin: germline. Affected: yes. Observed: 3 variant alleles.
Comment: p.(Arg291*), nonsense variant

Athena Diagnostics
Classification: Pathogenic. Last evaluated: 2019-07-10. Review status: criteria provided, single submitter. Criteria: Athena Diagnostics Criteria. Collection method: clinical testing. Allele origin: germline.
Comment: The variant creates a premature nonsense codon, and is therefore predicted to result in the loss of a functional protein. Found in at least one symptomatic patient, and not found in general population data.

Fulgent Genetics
Classification: Pathogenic for Familial X-linked hypophosphatemic vitamin D refractory rickets. Last evaluated: 2018-10-31. Review status: criteria provided, single submitter. Criteria: ACMG Guidelines, 2015. Collection method: clinical testing. Allele origin: unknown.

Institute of Human Genetics Munich, TUM University Hospital
Classification: Pathogenic for Familial X-linked hypophosphatemic vitamin D refractory rickets. Last evaluated: 2015-04-17. Review status: criteria provided, single submitter. Criteria: Classification criteria August 2017. Collection method: clinical testing. Allele origin: germline, maternal. Inheritance: X-linked inheritance. Affected: yes. Observed: 1 heterozygote, 5 hemizygotes.

Beijing Key Laboratory for Genetic Research of Skeletal Deformity, Peking Union Medical College Hospital
Classification: Pathogenic for Familial X-linked hypophosphatemic vitamin D refractory rickets. Last evaluated: 2019-05-31. Review status: no assertion criteria provided. Collection method: research. Allele origin: maternal. Affected: yes. Not counted in ClinVar's aggregate classification.

Department of Pediatric Endocrinology, Shriners Hospitals for Children - Mexico City
No classification provided. Condition: Childhood hypophosphatasia. Review status: no classification provided. Collection method: phenotyping only. Allele origin: germline. Inheritance: X-linked dominant inheritance. Affected: yes. Observed: 1 variant allele, 1 hemizygote. Not counted in ClinVar's aggregate classification.

Literature cited by the submitters: PubMed 9768674 (cited by Clinical Biomedical Laboratory, Shriners Hospital For Children - Canada and Athena Diagnostics); PubMed 35738466 (cited by Women's Health and Genetics/Laboratory Corporation of America, LabCorp and Laboratory of Cyto-molecular Genetics, Department of Anatomy, All India Institute of Medical Sciences (AIIMS), New Delhi); PubMed 9097956 (cited by Labcorp Genetics (formerly Invitae), Labcorp); PubMed 9106524 (cited by Labcorp Genetics (formerly Invitae), Labcorp and Athena Diagnostics); PubMed 19219621 (cited by Labcorp Genetics (formerly Invitae), Labcorp); PubMed 11004247 (cited by 3 submitters); PubMed 23466123 (cited by Labcorp Genetics (formerly Invitae), Labcorp and Athena Diagnostics); PubMed 26040324 (cited by Labcorp Genetics (formerly Invitae), Labcorp and Athena Diagnostics); PubMed 29460029 (cited by Labcorp Genetics (formerly Invitae), Labcorp and Athena Diagnostics); PubMed 30298486 (cited by Labcorp Genetics (formerly Invitae), Labcorp); PubMed 11502829 (cited by Molecular Genetics, Royal Melbourne Hospital); PubMed 22319799 (cited by Molecular Genetics, Royal Melbourne Hospital); PubMed 32329911 (cited by Molecular Genetics, Royal Melbourne Hospital); PubMed 34633109 (cited by Molecular Genetics, Royal Melbourne Hospital); PubMed 36482408 (cited by Molecular Genetics, Royal Melbourne Hospital); PubMed 27840894 (cited by Athena Diagnostics); PubMed 30607568 (cited by Athena Diagnostics); PubMed 9199930 (cited by Athena Diagnostics and Institute of Human Genetics Munich, TUM University Hospital).